The following is an entry in ClinVar:

ClinVar aggregate classification (germline): Uncertain significance (1 of 4 stars; one submission).

Conditions:
NOTCH2-related disorder. Also called: NOTCH2-related condition.

gnomAD v4.1: 1 of 1,614,198 alleles (0.000062%); highest among the groups gnomAD compares: Non-Finnish European, 0.000085%; no homozygotes.

Submission:

PreventionGenetics, part of Exact Sciences
Classification: Uncertain significance for NOTCH2-related condition. Last evaluated: 2025-07-30. Review status: criteria provided, single submitter. Criteria: ACMG Guidelines, 2015. Collection method: clinical testing. Allele origin: germline.
Comment: The NOTCH2 c.2793T>A variant is predicted to result in the amino acid substitution p.Asn931Lys. To our knowledge, this variant has not been reported in the literature or in a large population database (gnomAD), indicating this variant is rare. At this time, the clinical significance of this variant is uncertain due to the absence of conclusive functional and genetic evidence.

NM_024408.4(NOTCH2):c.2793T>A (p.Asn931Lys)

Gene: NOTCH2 (notch receptor 2; minus strand). Cytogenetic location: 1p12.
Variant type: single nucleotide variant.
Coding change: c.2793T>A on transcript NM_024408.4 (MANE Select); coding-DNA position 2793, T replaced by A.
Protein change: p.Asn931Lys; replaces asparagine 931 with lysine.
Molecular consequence: missense variant.
Genome position (GRCh38, 1-based): chr1:119,941,714, A>T on the plus strand (T>A on the coding strand, the complement: NOTCH2 is on the minus strand). VCF-style: chr1-119941714-A-T. GRCh37 (hg19) VCF-style: chr1-120484337-A-T.
Other names: c.2793T>A, p.Asn931Lys (NM_001200001.2); short protein forms N931K.
Identifiers: ClinVar variation 4983760 (VCV004983760.1).
Genomic context (GRCh38, chr1:119,941,714, plus strand): 5'-ATTCATGTCTGTCTGGCACTTATCCCCAGTGAAACCCGGAAGGCAGAGGCAGGAGAAAGT[A>T]TTCACTCCATCCATACAGGAACCTCCATTCTGGCAAGGATCTAAGCCATTACAAAAGAAT-3'
Protein context (NP_077719.2, residues 921-941): QNGGSCMDGV[Asn931Lys]TFSCLCLPGF